The following is an entry in ClinVar:

NM_000156.6(GAMT):c.507C>T (p.Cys169=)

Gene: GAMT (guanidinoacetate N-methyltransferase; minus strand). Cytogenetic location: 19p13.3.
Variant type: single nucleotide variant.
Coding change: c.507C>T on transcript NM_000156.6 (MANE Select); coding-DNA position 507, C replaced by T.
Protein change: p.Cys169=; no amino-acid change (cysteine 169 retained).
Molecular consequence: synonymous variant.
Genome position (GRCh38, 1-based): chr19:1,398,979, G>A on the plus strand (C>T on the coding strand, the complement: GAMT is on the minus strand). VCF-style: chr19-1398979-G-A. GRCh37 (hg19) VCF-style: chr19-1398978-G-A.
Other names: c.507C>T, p.Cys169= (NM_138924.3).
Identifiers: ClinVar variation 506679 (VCV000506679.4), dbSNP rs1555777024, ClinGen allele CA504895133.
Genomic context (GRCh38, chr19:1,398,979, plus strand): 5'-AAACATGATGGTGATGTCTGAGTACTTGGACTTCATCAGCTCCCCCCAGGAGGTGAGGTT[G>A]CAGTAGGTGAGGACGCCCCCCGGCTTCAGCAGGCGAAAGGCGTGGTTCTGTGGAAGGGGA-3'
Protein context (NP_000147.1, residues 159-179): LLKPGGVLTY[Cys169=]NLTSWGELMK

ClinVar aggregate classification (germline): Likely benign. Review status: criteria provided, multiple submitters, no conflicts (2 of 4 stars). 2 submissions from 2 submitters: Likely benign (2). Last evaluated 2023-10-14.

Conditions:
Cerebral creatine deficiency syndrome. Also called: Creatine deficiency syndromes. Identifiers: Orphanet 79172, MedGen C5244016, MONDO:0000456.

Allele frequency attached by ClinVar (database versions not stated): TOPMed below 0.00001; gnomAD 0.00001; gnomAD exomes 0.00003.
gnomAD v4.1: 21 of 1,613,366 alleles (0.0013%); highest among the groups gnomAD compares: East Asian, 0.042%; no homozygotes.

Submissions (2):

Labcorp Genetics (formerly Invitae), Labcorp
Classification: Likely benign for Cerebral creatine deficiency syndrome. Last evaluated: 2023-10-14. Review status: criteria provided, single submitter. Criteria: Invitae Variant Classification Sherloc (09022015). Collection method: clinical testing. Allele origin: germline.

GeneDx
Classification: Likely benign. Last evaluated: 2017-10-31. Review status: criteria provided, single submitter. Criteria: GeneDx Variant Classification (06012015). Collection method: clinical testing. Allele origin: germline. Affected: yes.
Comment: This variant is considered likely benign or benign based on one or more of the following criteria: it is a conservative change, it occurs at a poorly conserved position in the protein, it is predicted to be benign by multiple in silico algorithms, and/or has population frequency not consistent with disease.